The following is an entry in ClinVar:

NM_177550.5(SLC13A5):c.357C>T (p.Ala119=)

Gene: SLC13A5 (solute carrier family 13 member 5; minus strand). Cytogenetic location: 17p13.1.
Variant type: single nucleotide variant.
Coding change: c.357C>T on transcript NM_177550.5 (MANE Select); coding-DNA position 357, C replaced by T.
Protein change: p.Ala119=; no amino-acid change (alanine 119 retained).
Molecular consequence: synonymous variant.
Genome position (GRCh38, 1-based): chr17:6,706,653, G>A on the plus strand (C>T on the coding strand, the complement: SLC13A5 is on the minus strand). VCF-style: chr17-6706653-G-A. GRCh37 (hg19) VCF-style: chr17-6609972-G-A.
Other names: c.357C>T, p.Ala119= (NM_001143838.3, NM_001284509.2); c.228C>T, p.Ala76= (NM_001284510.2); c.357C>T (NM_177550.3).
Identifiers: ClinVar variation 546351 (VCV000546351.17), dbSNP rs748950933, ClinGen allele CA8331770.
Genomic context (GRCh38, chr17:6,706,653, plus strand): 5'-CCTGGGGCTCATGCAGAGCCACGTGGCAAGAGAGAGAAGGCGTAATTACCGTGCAGGCTT[G>A]GCCCCCACCCAGAGGAGCGTGCGCAGGGCGATCCTCTTGTGCAGGTTCCAGCGCTCCACA-3'
Protein context (NP_808218.1, residues 109-129): IALRTLLWVG[Ala119=]KPARLMLGFM

ClinVar aggregate classification (germline): Conflicting classifications of pathogenicity. Review status: criteria provided, conflicting classifications (1 of 4 stars). 4 submissions from 4 submitters: Uncertain significance (1); Likely benign (3). Last evaluated 2025-05-01.

Conditions:
Developmental and epileptic encephalopathy, 25 (DEE25). Also called: Developmental and epileptic encephalopathy 25, with amelogenesis imperfecta; Epileptic encephalopathy, early infantile, 25, with amelogenesis imperfecta; Epileptic encephalopathy, early infantile, 25. Identifiers: Orphanet 442835, MedGen C4014621, MONDO:0014392, OMIM 615905.
Inborn genetic diseases. Identifiers: MedGen C0950123, MeSH D030342.

Allele frequency attached by ClinVar (database versions not stated): ExAC 0.00001; gnomAD exomes 0.00001; gnomAD 0.00009 and 0.00010; TOPMed 0.00011.
gnomAD v4.1: 29 of 1,613,598 alleles (0.0018%); highest among the groups gnomAD compares: African/African-American, 0.032%; no homozygotes.

Submissions (4):

Labcorp Genetics (formerly Invitae), Labcorp
Classification: Likely benign for Developmental and epileptic encephalopathy, 25. Last evaluated: 2025-05-01. Review status: criteria provided, single submitter. Criteria: Invitae Variant Classification Sherloc (09022015). Collection method: clinical testing. Allele origin: germline.

Genome-Nilou Lab
Classification: Likely benign for Developmental and epileptic encephalopathy, 25. Last evaluated: 2021-07-15. Review status: criteria provided, single submitter. Criteria: ACMG Guidelines, 2015. Collection method: clinical testing. Allele origin: germline. Affected: no.

GeneDx
Classification: Uncertain significance. Last evaluated: 2018-11-15. Review status: criteria provided, single submitter. Criteria: GeneDx Variant Classification (06012015). Collection method: clinical testing. Allele origin: germline. Affected: yes.
Comment: A variant of uncertain significance has been identified in the SLC13A5 gene. The c.357 C>T variant has not been published as a pathogenic variant, nor has it been reported as a benign variant to our knowledge. This variant is observed in 8/23824 (0.03%) alleles from individuals of African background in large population cohorts (Lek et al., 2016). In-silico analyses, including splice predictors and evolutionary conservation, support that this variant does not alter protein structure/function. Therefore, based on the currently available information, it is unclear whether this variant is a pathogenic variant or a rare benign variant.

Ambry Genetics
Classification: Likely benign for Inborn genetic diseases. Last evaluated: 2018-03-06. Review status: criteria provided, single submitter. Criteria: Ambry Variant Classification Scheme 2023. Collection method: clinical testing. Allele origin: germline.